The following is an entry in ClinVar:

ClinVar aggregate classification (germline): Uncertain significance (1 of 4 stars; one submission).

Submission:

Women's Health and Genetics/Laboratory Corporation of America, LabCorp
Classification: Uncertain significance. Last evaluated: 2023-08-09. Review status: criteria provided, single submitter. Criteria: LabCorp Variant Classification Summary - May 2015. Collection method: clinical testing. Allele origin: germline.
Comment: Variant summary: JMJD3 (also known as KDM6B) c.3441-9delC alters a non-conserved nucleotide located close to a canonical splice site and therefore could affect mRNA splicing, leading to a significantly altered protein sequence. Computational tools predict no significant impact on normal splicing. However, these predictions have yet to be confirmed by functional studies. The variant was absent in 251010 control chromosomes (gnomAD). The available data on variant occurrences in the general population are insufficient to allow any conclusion about variant significance. To our knowledge, no occurrence of c.3441-9delC in individuals affected with Neurodevelopmental Disorder With Coarse Facies And Mild Distal Skeletal Abnormalities and no experimental evidence demonstrating its impact on protein function have been reported. No submitters have reported clinical-significance assessments for this variant to ClinVar after 2014. Based on the evidence outlined above, the variant was classified as uncertain significance.

NM_001348716.2(KDM6B):c.3441-9del

Gene: KDM6B (lysine demethylase 6B; plus strand). Cytogenetic location: 17p13.1.
Variant type: Deletion.
Coding change: c.3441-9del on transcript NM_001348716.2 (MANE Select); 9 bases into the intron before coding-DNA position 3441, one base deleted (C; older notation c.3441-9delC).
Molecular consequence: intron variant.
Genome position (GRCh38, 1-based): chr17:7,849,812, C deleted; the last of 2 consecutive C bases (chr17:7,849,811-7,849,812); deleting either gives the same sequence. VCF-style (leftmost placement, unchanged base first): chr17-7849810-TC-T. GRCh37 (hg19) VCF-style: chr17-7753128-TC-T.
Other names: c.3441-9del (NM_001080424.2).
Identifiers: ClinVar variation 2581601 (VCV002581601.1), dbSNP rs2544529691, ClinGen allele CA2582342138.